The following is an entry in ClinVar:

ClinVar aggregate classification (germline): Uncertain significance (1 of 4 stars; one submission).

Conditions:
Cystic fibrosis (CF). Also called: MUCOVISCIDOSIS. Identifiers: Orphanet 586, MedGen C0010674, MONDO:0009061, OMIM 219700. Disease mechanism: loss of function.

gnomAD v4.1: 1 of 1,613,944 alleles (0.000062%); highest among the groups gnomAD compares: South Asian, 0.0011%; no homozygotes.

Submission:

Labcorp Genetics (formerly Invitae), Labcorp
Classification: Uncertain significance for Cystic fibrosis. Last evaluated: 2023-09-05. Review status: criteria provided, single submitter. Criteria: Invitae Variant Classification Sherloc (09022015). Collection method: clinical testing. Allele origin: germline.
Comment: In summary, the available evidence is currently insufficient to determine the role of this variant in disease. Therefore, it has been classified as a Variant of Uncertain Significance. Advanced modeling of protein sequence and biophysical properties (such as structural, functional, and spatial information, amino acid conservation, physicochemical variation, residue mobility, and thermodynamic stability) performed at Invitae indicates that this missense variant is not expected to disrupt CFTR protein function. This variant has not been reported in the literature in individuals affected with CFTR-related conditions. This variant is not present in population databases (gnomAD no frequency). This sequence change replaces alanine, which is neutral and non-polar, with serine, which is neutral and polar, at codon 876 of the CFTR protein (p.Ala876Ser).

NM_000492.4(CFTR):c.2626G>T (p.Ala876Ser)

Gene: CFTR (CF transmembrane conductance regulator; plus strand). Cytogenetic location: 7q31.2.
Variant type: single nucleotide variant.
Coding change: c.2626G>T on transcript NM_000492.4 (MANE Select); coding-DNA position 2626, G replaced by T.
Protein change: p.Ala876Ser; replaces alanine 876 with serine.
Molecular consequence: missense variant.
Genome position (GRCh38, 1-based): chr7:117,602,832, G>T. VCF-style: chr7-117602832-G-T. GRCh37 (hg19) VCF-style: chr7-117242886-G-T.
Other names: short protein forms A876S.
Identifiers: ClinVar variation 2881887 (VCV002881887.2), dbSNP rs1328356747, ClinGen allele CA368985916.